The following is an entry in ClinVar:

NM_000384.3(APOB):c.1353-12C>T

Gene: APOB (apolipoprotein B; minus strand). Cytogenetic location: 2p24.1.
Variant type: single nucleotide variant.
Coding change: c.1353-12C>T on transcript NM_000384.3 (MANE Select); 12 bases into the intron before coding-DNA position 1353, C replaced by T.
Molecular consequence: intron variant.
Genome position (GRCh38, 1-based): chr2:21,030,027, G>A on the plus strand (C>T on the coding strand, the complement: APOB is on the minus strand). VCF-style: chr2-21030027-G-A. GRCh37 (hg19) VCF-style: chr2-21252899-G-A.
Identifiers: ClinVar variation 265880 (VCV000265880.19), dbSNP rs76202659, ClinGen allele CA053117.

ClinVar aggregate classification (germline): Conflicting classifications of pathogenicity. Review status: criteria provided, conflicting classifications (1 of 4 stars). 7 submissions from 6 submitters: Uncertain significance (2); Benign (4); Likely benign (1). Last evaluated 2026-02-03.

Conditions:
Familial hypobetalipoproteinemia 1. Also called: Hypobetalipoproteinemia, normotriglyceridemic; Acanthocytosis with hypobetalipoproteinemia; APOB-Related Familial Hypobetalipoproteinemia. Identifiers: MedGen C4551990, MONDO:0014252, OMIM 615558.
Hypercholesterolemia, autosomal dominant, type B (FHCL2). Also called: Familial Hypercholesterolemia Type B; APOB-Related Familial Hypercholesterolemia, Autosomal Dominant; Hyperlipoproteinemia Type IIb; Familial hypercholesterolemia 2; APOLIPOPROTEIN B-100, FAMILIAL DEFECTIVE; APOLIPOPROTEIN B-100, FAMILIAL LIGAND-DEFECTIVE. Identifiers: MedGen C1704417, MONDO:0007751, OMIM 144010.
Hypercholesterolemia, familial, 1. Also called: LDL RECEPTOR DISORDER; Hyperlipoproteinemia Type IIa; HYPER-LOW-DENSITY-LIPOPROTEINEMIA; HYPERCHOLESTEROLEMIC XANTHOMATOSIS, FAMILIAL; Fredrickson type IIa hyperlipoproteinemia; Hyperlipoproteinemia type 2. Identifiers: Orphanet 391665, MedGen C0745103, MONDO:0007750, OMIM 143890.

Allele frequency attached by ClinVar (database versions not stated): gnomAD exomes 0.00143 and 0.00372; ExAC 0.00437; gnomAD 0.01320 and 0.01423; ESP Exome Variant Server 0.01469; TOPMed 0.01481; 1000 Genomes Project 0.01697; 1000 Genomes Project 30x 0.01718.
gnomAD v4.1: 4,149 of 1,551,580 alleles (0.27%); highest among the groups gnomAD compares: African/African-American, 4.7%; 80 homozygotes.

Submissions (7):

Labcorp Genetics (formerly Invitae), Labcorp
Classification: Benign for Familial hypobetalipoproteinemia 1; Hypercholesterolemia, autosomal dominant, type B. Last evaluated: 2026-02-03. Review status: criteria provided, single submitter. Criteria: Invitae Variant Classification Sherloc (09022015). Collection method: clinical testing. Allele origin: germline.

ARUP Laboratories, Molecular Genetics and Genomics, ARUP Laboratories
Classification: Benign. Last evaluated: 2025-07-09. Review status: criteria provided, single submitter. Criteria: ARUP Molecular Germline Variant Investigation Process 2024. Collection method: clinical testing. Allele origin: germline.

GeneDx
Classification: Benign. Last evaluated: 2019-05-13. Review status: criteria provided, single submitter. Criteria: GeneDx Variant Classification Process June 2021. Collection method: clinical testing. Allele origin: germline. Affected: yes.

Illumina Laboratory Services, Illumina
Classification: Benign for Hypercholesterolemia, autosomal dominant, type B. Last evaluated: 2018-01-12. Review status: criteria provided, single submitter. Criteria: ICSL Variant Classification Criteria 13 December 2019. Collection method: clinical testing. Allele origin: germline.
Comment: This variant was observed in the ICSL laboratory as part of a predisposition screen in an ostensibly healthy population. It had not been previously curated by ICSL or reported in the Human Gene Mutation Database (HGMD: prior to June 1st, 2018), and was therefore a candidate for classification through an automated scoring system. Utilizing variant allele frequency, disease prevalence and penetrance estimates, and inheritance mode, an automated score was calculated to assess if this variant is too frequent to cause the disease. Based on the score and internal cut-off values, a variant classified as benign is not then subjected to further curation. The score for this variant resulted in a classification of benign for this disease.

Illumina Laboratory Services, Illumina
Classification: Likely benign for Familial hypobetalipoproteinemia 1. Last evaluated: 2018-01-12. Review status: criteria provided, single submitter. Criteria: ICSL Variant Classification Criteria 13 December 2019. Collection method: clinical testing. Allele origin: germline.
Comment: This variant was observed in the ICSL laboratory as part of a predisposition screen in an ostensibly healthy population. It had not been previously curated by ICSL or reported in the Human Gene Mutation Database (HGMD: prior to June 1st, 2018), and was therefore a candidate for classification through an automated scoring system. Utilizing variant allele frequency, disease prevalence and penetrance estimates, and inheritance mode, an automated score was calculated to assess if this variant is too frequent to cause the disease. Based on the score and internal cut-off values, a variant classified as likely benign is not then subjected to further curation. The score for this variant resulted in a classification of likely benign for this disease.

Robarts Research Institute, Western University
Classification: Uncertain significance for Hypercholesterolemia, familial, 1. Last evaluated: 2018-01-02. Review status: criteria provided, single submitter. Criteria: ACMG Guidelines, 2015. Collection method: clinical testing. Allele origin: germline. Inheritance: Autosomal dominant inheritance. Affected: yes.

Cardiovascular Research Group, Instituto Nacional de Saude Doutor Ricardo Jorge
Classification: Uncertain significance for Familial hypercholesterolemia. Last evaluated: 2016-03-01. Review status: criteria provided, single submitter. Criteria: ACMG Guidelines, 2015. Collection method: research. Allele origin: germline. Affected: yes.